The following is an entry in ClinVar:

ClinVar aggregate classification (germline): Uncertain significance. Review status: criteria provided, multiple submitters, no conflicts (2 of 4 stars). 2 submissions from 2 submitters: Uncertain significance (2). Last evaluated 2025-09-30.

Conditions:
Atypical hemolytic-uremic syndrome. Identifiers: Orphanet 2134, MedGen C2931788, MONDO:0016244.

Submissions (2):

Genomenon, Inc
Classification: Uncertain significance for Atypical hemolytic-uremic syndrome. Last evaluated: 2025-09-30. Review status: criteria provided, single submitter. Criteria: Genomenon Sequence Variant Interpretation Standards. Collection method: curation. Allele origin: germline. Affected: yes.
Comment: C3 p.Gln1161Lys (c.3481C>A) is a missense variant that changes the amino acid at residue 1161 from Glutamine to Lysine. This variant has been observed in at least one proband affected with atypical hemolytic-uremic syndrome (PMID:18796626). Functional studies have been reported; however, the significance of the findings remain unclear (PMID:18796626;25608561). It is absent or not present at a significant frequency in gnomAD. In silico models agree that this variant is not damaging. In conclusion, we classify C3 p.Gln1161Lys (c.3481C>A) as a variant of unknown significance.

Labcorp Genetics (formerly Invitae), Labcorp
Classification: Uncertain significance. Last evaluated: 2021-05-08. Review status: criteria provided, single submitter. Criteria: Invitae Variant Classification Sherloc (09022015). Collection method: clinical testing. Allele origin: germline.
Comment: In summary, the available evidence is currently insufficient to determine the role of this variant in disease. Therefore, it has been classified as a Variant of Uncertain Significance. Experimental studies have shown that this variant affects C3 protein function (PMID: 25608561, 18796626). This variant has been observed in individual(s) with atypical hemolytic uremic syndrome (PMID: 18796626). This variant is also known as p.Q1139K in the literature. This variant is not present in population databases (ExAC no frequency). This sequence change replaces glutamine with lysine at codon 1161 of the C3 protein (p.Gln1161Lys). The glutamine residue is highly conserved and there is a small physicochemical difference between glutamine and lysine.

Literature cited by the submitters: PubMed 18796626 (cited by Genomenon, Inc and Labcorp Genetics (formerly Invitae), Labcorp); PubMed 25608561 (cited by Genomenon, Inc and Labcorp Genetics (formerly Invitae), Labcorp).

NM_000064.4(C3):c.3481C>A (p.Gln1161Lys)

Gene: C3 (complement C3; minus strand). Cytogenetic location: 19p13.3.
Variant type: single nucleotide variant.
Coding change: c.3481C>A on transcript NM_000064.4 (MANE Select); coding-DNA position 3481, C replaced by A.
Protein change: p.Gln1161Lys; replaces glutamine 1161 with lysine.
Molecular consequence: missense variant.
Genome position (GRCh38, 1-based): chr19:6,690,637, G>T on the plus strand (C>A on the coding strand, the complement: C3 is on the minus strand). VCF-style: chr19-6690637-G-T. GRCh37 (hg19) VCF-style: chr19-6690648-G-T.
Other names: short protein forms Q1161K.
Identifiers: ClinVar variation 1510553 (VCV001510553.9), dbSNP rs2145404130, ClinGen allele CA403623929.